The following is an entry in ClinVar:

NM_006258.4(PRKG1):c.683T>C (p.Met228Thr)

Gene: PRKG1 (protein kinase cGMP-dependent 1; plus strand). Cytogenetic location: 10q21.1.
Variant type: single nucleotide variant.
Coding change: c.683T>C on transcript NM_006258.4 (MANE Select); coding-DNA position 683, T replaced by C.
Protein change: p.Met228Thr; replaces methionine 228 with threonine.
Molecular consequence: missense variant.
Genome position (GRCh38, 1-based): chr10:51,804,675, T>C. VCF-style: chr10-51804675-T-C. GRCh37 (hg19) VCF-style: chr10-53564435-T-C.
Other names: c.638T>C, p.Met213Thr (NM_001098512.3); c.683T>C, p.Met228Thr (NM_001374782.1); short protein forms M213T, M228T.
Identifiers: ClinVar variation 849974 (VCV000849974.12), dbSNP rs1468952215, ClinGen allele CA376531079.

ClinVar aggregate classification (germline): Uncertain significance. Review status: criteria provided, multiple submitters, no conflicts (2 of 4 stars). 3 submissions from 3 submitters: Uncertain significance (2). 1 of the submissions does not count toward it. Last evaluated 2025-10-01.

Conditions:
PRKG1-related disorder. Also called: PRKG1-related condition.
Aortic aneurysm, familial thoracic 8 (AAT8). Identifiers: MedGen C3809513, MONDO:0014187, OMIM 615436.

Allele frequency attached by ClinVar (database versions not stated): gnomAD exomes below 0.00001; TOPMed below 0.00001.
gnomAD v4.1: 4 of 1,578,068 alleles (0.00025%); highest among the groups gnomAD compares: Non-Finnish European, 0.00026%; no homozygotes.

Submissions (3):

Labcorp Genetics (formerly Invitae), Labcorp
Classification: Uncertain significance for Aortic aneurysm, familial thoracic 8. Last evaluated: 2025-10-01. Review status: criteria provided, single submitter. Criteria: Invitae Variant Classification Sherloc (09022015). Collection method: clinical testing. Allele origin: germline.
Comment: This sequence change replaces methionine, which is neutral and non-polar, with threonine, which is neutral and polar, at codon 228 of the PRKG1 protein (p.Met228Thr). This variant is present in population databases (no rsID available, gnomAD 0.0009%). This variant has not been reported in the literature in individuals affected with PRKG1-related conditions. ClinVar contains an entry for this variant (Variation ID: 849974). An algorithm developed to predict the effect of missense changes on protein structure and function (PolyPhen-2) suggests that this variant is likely to be tolerated. In summary, the available evidence is currently insufficient to determine the role of this variant in disease. Therefore, it has been classified as a Variant of Uncertain Significance.

GeneDx
Classification: Uncertain significance. Last evaluated: 2020-01-17. Review status: criteria provided, single submitter. Criteria: GeneDx Variant Classification Process June 2021. Collection method: clinical testing. Allele origin: germline. Affected: yes.
Comment: Has not been previously published as pathogenic or benign to our knowledge; Not observed at a significant frequency in large population cohorts (Lek et al., 2016); In silico analysis, which includes protein predictors and evolutionary conservation, supports that this variant does not alter protein structure/function

PreventionGenetics, part of Exact Sciences
Classification: Uncertain significance for PRKG1-related condition. Last evaluated: 2024-06-21. Review status: no assertion criteria provided. Collection method: clinical testing. Allele origin: germline. Not counted in ClinVar's aggregate classification.
Comment: The PRKG1 c.683T>C variant is predicted to result in the amino acid substitution p.Met228Thr. To our knowledge, this variant has not been reported in the literature. This variant is reported in 0.00089% of alleles in individuals of European (Non-Finnish) descent in gnomAD. At this time, the clinical significance of this variant is uncertain due to the absence of conclusive functional and genetic evidence.